The following is an entry in ClinVar:

NM_004369.4(COL6A3):c.7471A>G (p.Met2491Val)

Gene: COL6A3 (collagen type VI alpha 3 chain; minus strand). Cytogenetic location: 2q37.3.
Variant type: single nucleotide variant.
Coding change: c.7471A>G on transcript NM_004369.4 (MANE Select); coding-DNA position 7471, A replaced by G.
Protein change: p.Met2491Val; replaces methionine 2491 with valine.
Molecular consequence: missense variant.
Genome position (GRCh38, 1-based): chr2:237,344,547, T>C on the plus strand (A>G on the coding strand, the complement: COL6A3 is on the minus strand). VCF-style: chr2-237344547-T-C. GRCh37 (hg19) VCF-style: chr2-238253190-T-C.
Other names: c.5650A>G, p.Met1884Val (NM_057166.5); c.6853A>G, p.Met2285Val (NM_057167.4); short protein forms M2491V, M2285V, M1884V.
Identifiers: ClinVar variation 2097598 (VCV002097598.4), dbSNP rs564553909, ClinGen allele CA2187798.

ClinVar aggregate classification (germline): Uncertain significance (1 of 4 stars; one submission).

Conditions:
Bethlem myopathy 1A. Also called: MYOPATHY, BENIGN CONGENITAL, WITH CONTRACTURES; Bethlem myopathy 1; Bethlem Muscular Dystrophy. Identifiers: Orphanet 610, MedGen CN029274, MONDO:0024530, OMIM 158810.

Allele frequency attached by ClinVar (database versions not stated): gnomAD exomes below 0.00001; ExAC 0.00001; gnomAD 0.00001.
gnomAD v4.1: 3 of 1,614,170 alleles (0.00019%); highest among the groups gnomAD compares: East Asian, 0.0045%; no homozygotes.

Submission:

Labcorp Genetics (formerly Invitae), Labcorp
Classification: Uncertain significance for Bethlem myopathy 1A. Last evaluated: 2022-02-14. Review status: criteria provided, single submitter. Criteria: Invitae Variant Classification Sherloc (09022015). Collection method: clinical testing. Allele origin: germline.
Comment: In summary, the available evidence is currently insufficient to determine the role of this variant in disease. Therefore, it has been classified as a Variant of Uncertain Significance. This sequence change replaces methionine, which is neutral and non-polar, with valine, which is neutral and non-polar, at codon 2491 of the COL6A3 protein (p.Met2491Val). This variant is present in population databases (rs564553909, gnomAD 0.0009%). This variant has not been reported in the literature in individuals affected with COL6A3-related conditions. Advanced modeling of protein sequence and biophysical properties (such as structural, functional, and spatial information, amino acid conservation, physicochemical variation, residue mobility, and thermodynamic stability) performed at Invitae indicates that this missense variant is not expected to disrupt COL6A3 protein function.